The following is an entry in ClinVar:

ClinVar aggregate classification (germline): Uncertain significance (1 of 4 stars; one submission).

Allele frequency attached by ClinVar (database versions not stated): TOPMed 0.00001.

Submission:

Labcorp Genetics (formerly Invitae), Labcorp
Classification: Uncertain significance. Last evaluated: 2021-04-20. Review status: criteria provided, single submitter. Criteria: Invitae Variant Classification Sherloc (09022015). Collection method: clinical testing. Allele origin: germline.
Comment: This variant has not been reported in the literature in individuals with SPEG-related conditions. In summary, the available evidence is currently insufficient to determine the role of this variant in disease. Therefore, it has been classified as a Variant of Uncertain Significance. Algorithms developed to predict the effect of missense changes on protein structure and function are either unavailable or do not agree on the potential impact of this missense change (SIFT: "Deleterious"; PolyPhen-2: "Probably Damaging"; Align-GVGD: "Class C0"). The frequency data for this variant in the population databases is considered unreliable, as metrics indicate insufficient coverage at this position in the ExAC database. This sequence change replaces arginine with tryptophan at codon 698 of the SPEG protein (p.Arg698Trp). The arginine residue is highly conserved and there is a moderate physicochemical difference between arginine and tryptophan.

NM_005876.5(SPEG):c.2092C>T (p.Arg698Trp)

Gene: SPEG (striated muscle enriched protein kinase; plus strand). Cytogenetic location: 2q35.
Variant type: single nucleotide variant.
Coding change: c.2092C>T on transcript NM_005876.5 (MANE Select); coding-DNA position 2092, C replaced by T.
Protein change: p.Arg698Trp; replaces arginine 698 with tryptophan.
Molecular consequence: missense variant.
Genome position (GRCh38, 1-based): chr2:219,449,250, C>T. VCF-style: chr2-219449250-C-T. GRCh37 (hg19) VCF-style: chr2-220313972-C-T.
Other names: short protein forms R698W.
Identifiers: ClinVar variation 1494307 (VCV001494307.8), dbSNP rs1338333656, ClinGen allele CA350726691.
Genomic context (GRCh38, chr2:219,449,250, plus strand): 5'-GGTCCCTGGGGGCCCTGGGACCGCCGAGGGGCCCGCAGCCAGGGCAAAGGTCGCCGGGCC[C>T]GGCCCACCTCCCCTGAGCTCGGTAAGGCCTCAGGGAGGGCTGACAAGGTGCCTGAACCCC-3'
Protein context (NP_005867.3, residues 688-708): ARSQGKGRRA[Arg698Trp]PTSPELESSD